The following is an entry in ClinVar:

ClinVar aggregate classification (germline): Uncertain significance (1 of 4 stars; one submission).

Conditions:
Arrhythmogenic right ventricular dysplasia 10. Also called: Arrhythmogenic Right Ventricular Dysplasia/Cardiomyopathy10; ARRHYTHMOGENIC RIGHT VENTRICULAR DYSPLASIA, FAMILIAL, 10; Arrhythmogenic right ventricular dysplasia/cardiomyopathy, type 10. Identifiers: MedGen C1857777, MONDO:0012434, OMIM 610193.

Submission:

Labcorp Genetics (formerly Invitae), Labcorp
Classification: Uncertain significance for Arrhythmogenic right ventricular dysplasia 10. Last evaluated: 2025-07-07. Review status: criteria provided, single submitter. Criteria: Invitae Variant Classification Sherloc (09022015). Collection method: clinical testing. Allele origin: germline.
Comment: This sequence change replaces isoleucine, which is neutral and non-polar, with threonine, which is neutral and polar, at codon 410 of the DSG2 protein (p.Ile410Thr). This variant is not present in population databases (gnomAD no frequency). This variant has not been reported in the literature in individuals affected with DSG2-related conditions. ClinVar contains an entry for this variant (Variation ID: 2776562). Invitae Evidence Modeling of protein sequence and biophysical properties (such as structural, functional, and spatial information, amino acid conservation, physicochemical variation, residue mobility, and thermodynamic stability) has been performed for this missense variant. However, the output from this modeling did not meet the statistical confidence thresholds required to predict the impact of this variant on DSG2 protein function. In summary, the available evidence is currently insufficient to determine the role of this variant in disease. Therefore, it has been classified as a Variant of Uncertain Significance.

NM_001943.5(DSG2):c.1229T>C (p.Ile410Thr)

Gene: DSG2 (desmoglein 2; plus strand). Cytogenetic location: 18q12.1.
Variant type: single nucleotide variant.
Coding change: c.1229T>C on transcript NM_001943.5 (MANE Select); coding-DNA position 1229, T replaced by C.
Protein change: p.Ile410Thr; replaces isoleucine 410 with threonine.
Molecular consequence: missense variant.
Genome position (GRCh38, 1-based): chr18:31,531,201, T>C. VCF-style: chr18-31531201-T-C. GRCh37 (hg19) VCF-style: chr18-29111164-T-C.
Other names: short protein forms I410T.
Identifiers: ClinVar variation 2776562 (VCV002776562.3), dbSNP rs2510915430, ClinGen allele CA402139359.